The following is an entry in ClinVar:

ClinVar aggregate classification (germline): Uncertain significance (1 of 4 stars; one submission).

Conditions:
Primary ciliary dyskinesia. Also called: Ciliary dyskinesia. Identifiers: Orphanet 244, MedGen C0008780, MONDO:0016575, HP:0012265.

Allele frequency attached by ClinVar (database versions not stated): gnomAD exomes below 0.00001.
gnomAD v4.1: 1 of 1,612,944 alleles (0.000062%); highest among the groups gnomAD compares: Admixed American, 0.0017%; no homozygotes.

Submission:

Ambry Genetics
Classification: Uncertain significance for Primary ciliary dyskinesia. Last evaluated: 2022-04-23. Review status: criteria provided, single submitter. Criteria: Ambry Variant Classification Scheme 2023. Collection method: clinical testing. Allele origin: germline.
Comment: The p.A557T variant (also known as c.1669G>A), located in coding exon 12 of the SPAG1 gene, results from a G to A substitution at nucleotide position 1669. The alanine at codon 557 is replaced by threonine, an amino acid with similar properties. This amino acid position is conserved. In addition, the in silico prediction for this alteration is inconclusive. Since supporting evidence is limited at this time, the clinical significance of this alteration remains unclear.

NM_003114.5(SPAG1):c.1669G>A (p.Ala557Thr)

Gene: SPAG1 (sperm associated antigen 1; plus strand). Cytogenetic location: 8q22.2.
Variant type: single nucleotide variant.
Coding change: c.1669G>A on transcript NM_003114.5 (MANE Select); coding-DNA position 1669, G replaced by A.
Protein change: p.Ala557Thr; replaces alanine 557 with threonine.
Molecular consequence: missense variant.
Genome position (GRCh38, 1-based): chr8:100,220,412, G>A. VCF-style: chr8-100220412-G-A. GRCh37 (hg19) VCF-style: chr8-101232640-G-A.
Other names: c.1669G>A, p.Ala557Thr (NM_001374321.1, NM_172218.3); short protein forms A557T.
Identifiers: ClinVar variation 1777631 (VCV001777631.2), dbSNP rs1340187889, ClinGen allele CA371812662.
Genomic context (GRCh38, chr8:100,220,412, plus strand): 5'-TATGGGAAAGCTTATGTGGATTATAAAACAGTGTTGCAGATAGACTGTGGACTCCAGCTA[G>A]CAAATGACAGTGTTAACAGGTAATTAATCTGAGGCAGCTACCTAAAATCTAGTTGTTTTA-3'
Protein context (NP_003105.2, residues 547-567): VLQIDCGLQL[Ala557Thr]NDSVNRLSRI